The following is an entry in ClinVar:

NM_001605.3(AARS1):c.2721+3C>G

Gene: AARS1 (alanyl-tRNA synthetase 1; minus strand). Cytogenetic location: 16q22.1.
Variant type: single nucleotide variant.
Coding change: c.2721+3C>G on transcript NM_001605.3 (MANE Select); 3 bases into the intron after coding-DNA position 2721, C replaced by G.
Molecular consequence: intron variant.
Genome position (GRCh38, 1-based): chr16:70,253,265, G>C on the plus strand (C>G on the coding strand, the complement: AARS1 is on the minus strand). VCF-style: chr16-70253265-G-C. GRCh37 (hg19) VCF-style: chr16-70287168-G-C.
Identifiers: ClinVar variation 1682100 (VCV001682100.6), dbSNP rs1318032456, ClinGen allele CA623576686.
Genomic context (GRCh38, chr16:70,253,265, plus strand): 5'-ACACAGGCCTCAGCCAACAACCTTAAGACCTAACACTTCCCACTGGTGCGAGGTGGTGCT[G>C]ACCTGGGGAACTTGACACAGGCACGTGATCTTGCCAGCCTCATTGTCCACCGTGAAGAGC-3'

ClinVar aggregate classification (germline): Uncertain significance (1 of 4 stars; one submission).

Conditions:
Charcot-Marie-Tooth disease type 2. Also called: Charcot-Marie-Tooth type 2. Identifiers: Orphanet 64746, MedGen C0270914, MONDO:0018993.

Allele frequency attached by ClinVar (database versions not stated): gnomAD 0.00001; gnomAD exomes below 0.00001.
gnomAD v4.1: 2 of 1,607,628 alleles (0.00012%); highest among the groups gnomAD compares: African/African-American, 0.0027%; no homozygotes.

Submission:

Labcorp Genetics (formerly Invitae), Labcorp
Classification: Uncertain significance for Charcot-Marie-Tooth disease type 2. Last evaluated: 2023-06-21. Review status: criteria provided, single submitter. Criteria: Invitae Variant Classification Sherloc (09022015). Collection method: clinical testing. Allele origin: germline.
Comment: This sequence change falls in intron 20 of the AARS gene. It does not directly change the encoded amino acid sequence of the AARS protein. It affects a nucleotide within the consensus splice site. This variant is present in population databases (no rsID available, gnomAD 0.007%). This variant has not been reported in the literature in individuals affected with AARS-related conditions. ClinVar contains an entry for this variant (Variation ID: 1682100). Variants that disrupt the consensus splice site are a relatively common cause of aberrant splicing (PMID: 17576681, 9536098). Algorithms developed to predict the effect of sequence changes on RNA splicing suggest that this variant is not likely to affect RNA splicing. In summary, the available evidence is currently insufficient to determine the role of this variant in disease. Therefore, it has been classified as a Variant of Uncertain Significance.

Literature cited by the submitters: PubMed 17576681; PubMed 9536098.